The following is an entry in ClinVar:

NM_015443.4(KANSL1):c.3028C>G (p.Pro1010Ala)

Gene: KANSL1 (KAT8 regulatory NSL complex subunit 1). Cytogenetic location: 17q21.31.
Variant type: single nucleotide variant.
Coding change: c.3028C>G on transcript NM_015443.4 (MANE Select); coding-DNA position 3028, C replaced by G.
Protein change: p.Pro1010Ala; replaces proline 1010 with alanine.
Molecular consequence: missense variant.
Genome position (GRCh38, 1-based): chr17:46,032,109, G>C on the plus strand (C>G on the coding strand, the complement: KANSL1 is on the minus strand). VCF-style: chr17-46032109-G-C. GRCh37 (hg19) VCF-style: chr17-44109475-G-C.
Other names: c.3028C>G (NM_001193466.1); c.3025C>G, p.Pro1009Ala (NM_001193465.2, NM_001405856.1, NM_001405857.1 and 1 more transcripts); c.3028C>G, p.Pro1010Ala (NM_001193466.2, NM_001379198.1, NM_001405854.1 and 1 more transcripts); c.2926C>G, p.Pro976Ala (NM_001405859.1, NM_001405860.1); c.2923C>G, p.Pro975Ala (NM_001405861.1); c.2896C>G, p.Pro966Ala (NM_001405872.1, NM_001405873.1, NM_001405874.1); c.1570C>G, p.Pro524Ala (NM_001405885.1); c.2839C>G, p.Pro947Ala (NM_001405875.1, NM_001405876.1, NM_001405877.1 and 1 more transcripts); and 5 more; short protein forms P1009A, P587A, P588A, P946A, P947A, P975A, P1010A, P525A.
Identifiers: ClinVar variation 2082429 (VCV002082429.6), dbSNP rs143018360, ClinGen allele CA291125846.
Genomic context (GRCh38, chr17:46,032,109, plus strand): 5'-GTTCATCCAGCCCCAGCTCTGGTGTGGAACAACGGGTATCCTCACTGGCTAAGTGTCGCG[G>C]AGTGTCCCGAGCCACAGGGGTGAGGGGTGCTGAGTGCAGTTCCGGGCTAATGGGGCTCCT-3'
Protein context (NP_056258.1, residues 1000-1020): APLTPVARDT[Pro1010Ala]RHLASEDTRC

ClinVar aggregate classification (germline): Uncertain significance. Review status: criteria provided, multiple submitters, no conflicts (2 of 4 stars). 2 submissions from 2 submitters: Uncertain significance (2). Last evaluated 2023-09-03.

Conditions:
Inborn genetic diseases. Identifiers: MedGen C0950123, MeSH D030342.
Koolen-de Vries syndrome (KDVS). Identifiers: Orphanet 96169, MedGen C1864871, MONDO:0012496, OMIM 610443.

Allele frequency attached by ClinVar (database versions not stated): ESP Exome Variant Server 0.00008.
gnomAD v4.1: 1 of 1,614,110 alleles (0.000062%); highest among the groups gnomAD compares: Non-Finnish European, 0.000085%; no homozygotes.

Submissions (2):

Labcorp Genetics (formerly Invitae), Labcorp
Classification: Uncertain significance for Koolen-de Vries syndrome. Last evaluated: 2023-09-03. Review status: criteria provided, single submitter. Criteria: Invitae Variant Classification Sherloc (09022015). Collection method: clinical testing. Allele origin: germline.
Comment: In summary, the available evidence is currently insufficient to determine the role of this variant in disease. Therefore, it has been classified as a Variant of Uncertain Significance. Advanced modeling of protein sequence and biophysical properties (such as structural, functional, and spatial information, amino acid conservation, physicochemical variation, residue mobility, and thermodynamic stability) performed at Invitae indicates that this missense variant is not expected to disrupt KANSL1 protein function. ClinVar contains an entry for this variant (Variation ID: 2082429). This variant has not been reported in the literature in individuals affected with KANSL1-related conditions. This variant is present in population databases (rs143018360, gnomAD 0.0009%). This sequence change replaces proline, which is neutral and non-polar, with alanine, which is neutral and non-polar, at codon 1010 of the KANSL1 protein (p.Pro1010Ala).

Ambry Genetics
Classification: Uncertain significance for Inborn genetic diseases. Last evaluated: 2023-07-26. Review status: criteria provided, single submitter. Criteria: Ambry Variant Classification Scheme 2023. Collection method: clinical testing. Allele origin: germline.